The following is an entry in ClinVar:

NM_004304.5(ALK):c.3440T>C (p.Val1147Ala)

Gene: ALK (ALK receptor tyrosine kinase; minus strand). Cytogenetic location: 2p23.2.
Variant type: single nucleotide variant.
Coding change: c.3440T>C on transcript NM_004304.5 (MANE Select); coding-DNA position 3440, T replaced by C.
Protein change: p.Val1147Ala; replaces valine 1147 with alanine.
Molecular consequence: missense variant.
Genome position (GRCh38, 1-based): chr2:29,222,527, A>G on the plus strand (T>C on the coding strand, the complement: ALK is on the minus strand). VCF-style: chr2-29222527-A-G. GRCh37 (hg19) VCF-style: chr2-29445393-A-G.
Other names: c.236T>C, p.Val79Ala (NM_001353765.2); c.3440T>C (NM_004304.4); short protein forms V1147A, V79A.
Identifiers: ClinVar variation 1015313 (VCV001015313.7), dbSNP rs1669832761, ClinGen allele CA346463609.

ClinVar aggregate classification (germline): Uncertain significance. Review status: criteria provided, multiple submitters, no conflicts (2 of 4 stars). 2 submissions from 2 submitters: Uncertain significance (2). Last evaluated 2026-08-27.

Conditions:
Hereditary cancer-predisposing syndrome. Also called: Tumor predisposition; Hereditary Cancer Syndrome; Hereditary neoplastic syndrome; Neoplastic Syndromes, Hereditary. Identifiers: Orphanet 140162, MedGen C0027672, MeSH D009386, MONDO:0015356.
Neuroblastoma, susceptibility to, 3. Also called: ALK-Related Neuroblastic Tumor Susceptibility. Identifiers: Orphanet 635, MedGen C2751681, MONDO:0013083, OMIM 613014.

Submissions (2):

Ambry Genetics
Classification: Uncertain significance for Hereditary cancer-predisposing syndrome. Last evaluated: 2026-08-27. Review status: criteria provided, single submitter. Criteria: Ambry Variant Classification Scheme 2023. Collection method: clinical testing. Allele origin: germline.
Comment: The p.V1147A variant (also known as c.3440T>C), located in coding exon 21 of the ALK gene, results from a T to C substitution at nucleotide position 3440. The valine at codon 1147 is replaced by alanine, an amino acid with similar properties. This amino acid position is conserved. In addition, this alteration is predicted to be deleterious by in silico analysis. Based on the available evidence, the clinical significance of this variant remains unclear.

Labcorp Genetics (formerly Invitae), Labcorp
Classification: Uncertain significance for Neuroblastoma, susceptibility to, 3. Last evaluated: 2024-04-10. Review status: criteria provided, single submitter. Criteria: Invitae Variant Classification Sherloc (09022015). Collection method: clinical testing. Allele origin: germline.
Comment: This sequence change replaces valine, which is neutral and non-polar, with alanine, which is neutral and non-polar, at codon 1147 of the ALK protein (p.Val1147Ala). This variant is not present in population databases (gnomAD no frequency). This variant has not been reported in the literature in individuals affected with ALK-related conditions. ClinVar contains an entry for this variant (Variation ID: 1015313). An algorithm developed to predict the effect of missense changes on protein structure and function (PolyPhen-2) suggests that this variant is likely to be disruptive. In summary, the available evidence is currently insufficient to determine the role of this variant in disease. Therefore, it has been classified as a Variant of Uncertain Significance.